The following is an entry in ClinVar:

NM_001005273.3(CHD3):c.4030C>T (p.Arg1344Cys)

Gene: CHD3 (chromodomain helicase DNA binding protein 3; plus strand). Cytogenetic location: 17p13.1.
Variant type: single nucleotide variant.
Coding change: c.4030C>T on transcript NM_001005273.3 (MANE Select); coding-DNA position 4030, C replaced by T.
Protein change: p.Arg1344Cys; replaces arginine 1344 with cysteine.
Molecular consequence: missense variant.
Genome position (GRCh38, 1-based): chr17:7,904,577, C>T. VCF-style: chr17-7904577-C-T. GRCh37 (hg19) VCF-style: chr17-7807895-C-T.
Other names: c.4207C>T, p.Arg1403Cys (NM_001005271.3, NM_001437504.1); c.4195C>T, p.Arg1399Cys (NM_001437507.1, NM_001437508.1, NM_001437509.1); c.4030C>T, p.Arg1344Cys (NM_005852.4); short protein forms R1344C, R1399C, R1403C.
Identifiers: ClinVar variation 5042562 (VCV005042562.1).

ClinVar aggregate classification (germline): Likely pathogenic (1 of 4 stars; one submission).

Conditions:
Snijders Blok-Campeau syndrome. Also called: INTELLECTUAL DEVELOPMENTAL DISORDER WITH MACROCEPHALY, SPEECH DELAY, AND DYSMORPHIC FACIES. Identifiers: Orphanet 599082, MedGen C4748701, MONDO:0032600, OMIM 618205.

gnomAD v4.1: 1 of 1,614,008 alleles (0.000062%); highest among the groups gnomAD compares: Non-Finnish European, 0.000085%; no homozygotes.

Submission:

UAEU Genomics Laboratory, United Arab Emirates University
Classification: Likely pathogenic for Snijders Blok-Campeau syndrome. Last evaluated: 2024-05-16. Review status: criteria provided, single submitter. Criteria: ACMG Guidelines, 2015. Collection method: research. Allele origin: de novo. Affected: yes. Observed: 1 variant allele.
Comment: PM2, PM1, PP2, PP3